The following is an entry in ClinVar:

ClinVar aggregate classification (germline): Conflicting classifications of pathogenicity. Review status: criteria provided, conflicting classifications (1 of 4 stars). 2 submissions from 2 submitters: Uncertain significance (1); Likely benign (1). Last evaluated 2026-02-23.

Conditions:
SERPING1-related disorder. Also called: SERPING1-related condition.

Allele frequency attached by ClinVar (database versions not stated): gnomAD 0.00002 and 0.00003; TOPMed 0.00009.

Submissions (2):

PreventionGenetics, part of Exact Sciences
Classification: Uncertain significance for SERPING1-related condition. Last evaluated: 2026-02-23. Review status: criteria provided, single submitter. Criteria: ACMG Guidelines, 2015. Collection method: clinical testing. Allele origin: germline.
Comment: The SERPING1 c.1319C>T variant is predicted to result in the amino acid substitution p.Ala440Val. This variant has been reported in an individual with hereditary angioedema (Supporting Information Table 1, Ponard et al. 2020. PubMed ID: 31517426). This variant is reported in 0.0062% of alleles in individuals of African descent in gnomAD. At this time, the clinical significance of this variant is uncertain due to the absence of conclusive functional and genetic evidence.

Labcorp Genetics (formerly Invitae), Labcorp
Classification: Likely benign. Last evaluated: 2025-09-30. Review status: criteria provided, single submitter. Criteria: Invitae Variant Classification Sherloc (09022015). Collection method: clinical testing. Allele origin: germline.

NM_000062.3(SERPING1):c.1319C>T (p.Ala440Val)

Gene: SERPING1 (serpin family G member 1; plus strand). Cytogenetic location: 11q12.1.
Variant type: single nucleotide variant.
Coding change: c.1319C>T on transcript NM_000062.3 (MANE Select); coding-DNA position 1319, C replaced by T.
Protein change: p.Ala440Val; replaces alanine 440 with valine.
Molecular consequence: missense variant.
Genome position (GRCh38, 1-based): chr11:57,614,397, C>T. VCF-style: chr11-57614397-C-T. GRCh37 (hg19) VCF-style: chr11-57381870-C-T.
Other names: c.1319C>T, p.Ala440Val (NM_001032295.2); c.1319C>T (NM_000062.2); short protein forms A440V.
Identifiers: ClinVar variation 1429164 (VCV001429164.7), dbSNP rs867177349, ClinGen allele CA223024228.